The following is an entry in ClinVar:

ClinVar aggregate classification (germline): Uncertain significance (1 of 4 stars; one submission).

Conditions:
Chédiak-Higashi syndrome (CHS). Also called: Chediak-Higashi Syndrome. Identifiers: Orphanet 167, MedGen C0007965, MONDO:0008963, OMIM 214500.

Allele frequency attached by ClinVar (database versions not stated): TOPMed below 0.00001.
gnomAD v4.1: 41 of 1,613,664 alleles (0.0025%); highest among the groups gnomAD compares: Non-Finnish European, 0.0031%; no homozygotes.

Submission:

Labcorp Genetics (formerly Invitae), Labcorp
Classification: Uncertain significance for Chédiak-Higashi syndrome. Last evaluated: 2021-08-26. Review status: criteria provided, single submitter. Criteria: Invitae Variant Classification Sherloc (09022015). Collection method: clinical testing. Allele origin: germline.
Comment: This sequence change replaces threonine with serine at codon 1396 of the LYST protein (p.Thr1396Ser). The threonine residue is moderately conserved and there is a small physicochemical difference between threonine and serine. This variant is present in population databases (rs745863011, ExAC 0.003%). This variant has not been reported in the literature in individuals affected with LYST-related conditions. Algorithms developed to predict the effect of missense changes on protein structure and function output the following: SIFT: "Tolerated"; PolyPhen-2: "Benign"; Align-GVGD: "Class C0". The serine amino acid residue is found in multiple mammalian species, which suggests that this missense change does not adversely affect protein function. In summary, the available evidence is currently insufficient to determine the role of this variant in disease. Therefore, it has been classified as a Variant of Uncertain Significance.

NM_000081.4(LYST):c.4187C>G (p.Thr1396Ser)

Gene: LYST (lysosomal trafficking regulator; minus strand). Cytogenetic location: 1q42.3.
Variant type: single nucleotide variant.
Coding change: c.4187C>G on transcript NM_000081.4 (MANE Select); coding-DNA position 4187, C replaced by G.
Protein change: p.Thr1396Ser; replaces threonine 1396 with serine.
Molecular consequence: missense variant.
Genome position (GRCh38, 1-based): chr1:235,792,055, G>C on the plus strand (C>G on the coding strand, the complement: LYST is on the minus strand). VCF-style: chr1-235792055-G-C. GRCh37 (hg19) VCF-style: chr1-235955355-G-C.
Other names: c.4187C>G, p.Thr1396Ser (NM_001301365.1); short protein forms T1396S.
Identifiers: ClinVar variation 655450 (VCV000655450.6), dbSNP rs745863011, ClinGen allele CA1466898.